The following is an entry in ClinVar:

ClinVar aggregate classification (germline): Conflicting classifications of pathogenicity. Review status: criteria provided, conflicting classifications (1 of 4 stars). 2 submissions from 2 submitters: Uncertain significance (1); Likely benign (1). Last evaluated 2023-03-23.

Conditions:
Hereditary cancer-predisposing syndrome. Also called: Hereditary neoplastic syndrome; Neoplastic Syndromes, Hereditary; Tumor predisposition; Hereditary Cancer Syndrome. Identifiers: Orphanet 140162, MedGen C0027672, MeSH D009386, MONDO:0015356.
Hereditary breast ovarian cancer syndrome. Also called: Hereditary breast and ovarian cancer syndrome (HBOC); BRCA1- and BRCA2-Associated Hereditary Breast and Ovarian Cancer; Hereditary breast and ovarian cancer syndrome; Breast and ovarian cancer; Hereditary breast and ovarian cancer; Hereditary breast and/or ovarian cancer syndrome. Identifiers: Orphanet 145, MedGen C0677776, MeSH D061325, MONDO:0003582. Disease mechanism: loss of function.

Submissions (2):

University of Washington Department of Laboratory Medicine, University of Washington
Classification: Likely benign for Hereditary cancer-predisposing syndrome. Last evaluated: 2023-03-23. Review status: criteria provided, single submitter. Criteria: Dines et al. (Genet Med. 2020). Collection method: curation. Allele origin: germline.
Comment: Missense variant in a coldspot region where missense variants are very unlikely to be pathogenic (PMID:31911673).

BRCA2 exon 11 coldspot. Reclassification based on statistical prior probability.

Labcorp Genetics (formerly Invitae), Labcorp
Classification: Uncertain significance for Hereditary breast ovarian cancer syndrome. Last evaluated: 2017-08-02. Review status: criteria provided, single submitter. Criteria: Invitae Variant Classification Sherloc (09022015). Collection method: clinical testing. Allele origin: germline.
Comment: In summary, the available evidence is currently insufficient to determine the role of this variant in disease. Therefore, it has been classified as a Variant of Uncertain Significance. Algorithms developed to predict the effect of missense changes on protein structure and function (SIFT, PolyPhen-2, Align-GVGD) all suggest that this variant is likely to be tolerated, but these predictions have not been confirmed by published functional studies and their clinical significance is uncertain. This variant has not been reported in the literature in individuals with BRCA2-related disease. This variant is not present in population databases (ExAC no frequency). This sequence change replaces cysteine with serine at codon 1820 of the BRCA2 protein (p.Cys1820Ser). The cysteine residue is weakly conserved and there is a moderate physicochemical difference between cysteine and serine.

NM_000059.4(BRCA2):c.5459G>C (p.Cys1820Ser)

Gene: BRCA2 (BRCA2 DNA repair associated; plus strand). Cytogenetic location: 13q13.1.
Variant type: single nucleotide variant.
Coding change: c.5459G>C on transcript NM_000059.4 (MANE Select); coding-DNA position 5459, G replaced by C.
Protein change: p.Cys1820Ser; replaces cysteine 1820 with serine.
Molecular consequence: missense variant.
Genome position (GRCh38, 1-based): chr13:32,339,814, G>C. VCF-style: chr13-32339814-G-C. GRCh37 (hg19) VCF-style: chr13-32913951-G-C.
Other names: short protein forms C1820S.
Identifiers: ClinVar variation 531354 (VCV000531354.10), dbSNP rs1555284235, ClinGen allele CA387785631.